The following is an entry in ClinVar:

ClinVar aggregate classification (germline): Uncertain significance. Review status: criteria provided, multiple submitters, no conflicts (2 of 4 stars). 2 submissions from 2 submitters: Uncertain significance (2). Last evaluated 2026-09-22.

Conditions:
SDCCAG8-related disorder. Also called: SDCCAG8-related condition; SDCCAG8-Related Disorders.
Bardet-Biedl syndrome 16 (BBS16). Identifiers: Orphanet 110, MedGen C3889474, MONDO:0014444, OMIM 615993.
Senior-Loken syndrome 7 (SLSN7). Identifiers: Orphanet 3156, MedGen C3150877, MONDO:0013326, OMIM 613615.

Allele frequency attached by ClinVar (database versions not stated): ExAC 0.00002; TOPMed 0.00002; gnomAD exomes 0.00003 and 0.00009; gnomAD 0.00004.
gnomAD v4.1: 128 of 1,613,950 alleles (0.0079%); highest among the groups gnomAD compares: Non-Finnish European, 0.011%; no homozygotes.

Submissions (2):

PreventionGenetics, part of Exact Sciences
Classification: Uncertain significance for SDCCAG8-related condition. Last evaluated: 2026-09-22. Review status: criteria provided, single submitter. Criteria: ACMG Guidelines, 2015. Collection method: clinical testing. Allele origin: germline.
Comment: The SDCCAG8 c.1492A>G variant is predicted to result in the amino acid substitution p.Ile498Val. To our knowledge, this variant has not been reported in the literature. This variant is reported in 0.0070% of alleles in individuals of European (Non-Finnish) descent in gnomAD. At this time, the clinical significance of this variant is uncertain due to the absence of conclusive functional and genetic evidence.

Labcorp Genetics (formerly Invitae), Labcorp
Classification: Uncertain significance for Bardet-Biedl syndrome 16; Senior-Loken syndrome 7. Last evaluated: 2024-06-25. Review status: criteria provided, single submitter. Criteria: Invitae Variant Classification Sherloc (09022015). Collection method: clinical testing. Allele origin: germline.
Comment: This sequence change replaces isoleucine, which is neutral and non-polar, with valine, which is neutral and non-polar, at codon 498 of the SDCCAG8 protein (p.Ile498Val). This variant is present in population databases (rs765529431, gnomAD 0.007%). This variant has not been reported in the literature in individuals affected with SDCCAG8-related conditions. ClinVar contains an entry for this variant (Variation ID: 859726). Advanced modeling of protein sequence and biophysical properties (such as structural, functional, and spatial information, amino acid conservation, physicochemical variation, residue mobility, and thermodynamic stability) performed at Invitae indicates that this missense variant is not expected to disrupt SDCCAG8 protein function with a negative predictive value of 80%. In summary, the available evidence is currently insufficient to determine the role of this variant in disease. Therefore, it has been classified as a Variant of Uncertain Significance.

NM_006642.5(SDCCAG8):c.1492A>G (p.Ile498Val)

Gene: SDCCAG8 (SHH signaling and ciliogenesis regulator SDCCAG8; plus strand). Cytogenetic location: 1q43.
Variant type: single nucleotide variant.
Coding change: c.1492A>G on transcript NM_006642.5 (MANE Select); coding-DNA position 1492, A replaced by G.
Protein change: p.Ile498Val; replaces isoleucine 498 with valine.
Molecular consequence: missense variant.
Genome position (GRCh38, 1-based): chr1:243,378,739, A>G. VCF-style: chr1-243378739-A-G. GRCh37 (hg19) VCF-style: chr1-243542041-A-G.
Other names: c.589A>G, p.Ile197Val (NM_001350246.2, NM_001350247.2, NM_001350251.2); c.1588A>G, p.Ile530Val (NM_001350248.2); c.1198A>G, p.Ile400Val (NM_001350249.2); short protein forms I498V, I530V, I400V, I197V.
Identifiers: ClinVar variation 859726 (VCV000859726.11), dbSNP rs765529431, ClinGen allele CA1483665.
Genomic context (GRCh38, chr1:243,378,739, plus strand): 5'-TGTATTTTATATGGATGCTTTTTCCCCTTCTCTCTACCTAAGGAAATAGAGAAATTGAGA[A>G]TAGAACTGGATGAAAGCAAACAACACTTGGAACAGGAGCAGCAGAAGGCAGCCCTGGCCA-3'
Protein context (NP_006633.1, residues 488-508): IKDQEIEKLR[Ile498Val]ELDESKQHLE